The following is an entry in ClinVar:

ClinVar aggregate classification (germline): Pathogenic (1 of 4 stars; one submission).

Submission:

GeneDx
Classification: Pathogenic. Last evaluated: 2017-06-30. Review status: criteria provided, single submitter. Criteria: GeneDx Variant Classification (06012015). Collection method: clinical testing. Allele origin: germline. Affected: yes.
Comment: The c.1032_1035dupGAAA variant in the ASXL3 gene has not been reported previously as a pathogenic variant nor as a benign variant, to our knowledge. The c.1032_1035dupGAAA variant causes a frameshift starting with codon Threonine 346, changes this amino acid to a Glutamic acid residue, and creates a premature Stop codon at position 11 of the new reading frame, denoted p.T346EfsX11. This variant is predicted to cause loss of normal protein function either through protein truncation or nonsense-mediated mRNA decay. The c.1032_1035dupGAAA variant is not observed in large population cohorts (Lek et al., 2016; 1000 Genomes Consortium et al., 2015; Exome Variant Server). We interpret c.1032_1035dupGAAA as a pathogenic variant

NM_030632.3(ASXL3):c.1032_1035dup (p.Thr346fs)

Gene: ASXL3 (ASXL transcriptional regulator 3; plus strand). Cytogenetic location: 18q12.1.
Variant type: Duplication.
Coding change: c.1032_1035dup on transcript NM_030632.3 (MANE Select); coding-DNA positions 1032 to 1035, 4 bases duplicated (GAAA; older notation c.1032_1035dupGAAA).
Protein change: p.Thr346fs; shifts the reading frame from threonine 346.
Molecular consequence: frameshift variant.
Genome position (GRCh38, 1-based): chr18:33,734,365-33,734,368, GAAA duplicated; duplicating any 4 consecutive bases within chr18:33,734,362-33,734,368 gives the same sequence; the c. name uses the placement nearest the transcript's 3' end. VCF-style (leftmost placement, unchanged base first): chr18-33734361-A-AAAAG. GRCh37 (hg19) VCF-style: chr18-31314325-A-AAAAG.
Other names: short protein forms T346fs.
Identifiers: ClinVar variation 432991 (VCV000432991.2), dbSNP rs1555741188, ClinGen allele CA645372657.
Genomic context (GRCh38, chr18:33,734,361, plus strand): 5'-TCTTTTTAGGAGAGTTTACCCCAGAAATGCAGTTGCGGATAAGGCAAGAAATTGAGAAGG[A>AAAAG]AAAGAAAACAGAACCTTGGAAAGAAAAATTCTTTGAGAGGTTTTATGGAGAAAAGTAAGT-3'